The following is an entry in ClinVar:

ClinVar aggregate classification (germline): Uncertain significance. Review status: criteria provided, multiple submitters, no conflicts (2 of 4 stars). 2 submissions from 2 submitters: Uncertain significance (2). Last evaluated 2024-12-24.

Conditions:
Retinoblastoma (RB1). Also called: RETINOBLASTOMA, SOMATIC. Identifiers: Orphanet 790, MedGen C0035335, MeSH D012175, MONDO:0008380, OMIM 180200, HP:0009919. Disease mechanism: loss of function. Inheritance: Both sporadic and heritable forms are tested..
Hereditary cancer-predisposing syndrome. Also called: Neoplastic Syndromes, Hereditary; Tumor predisposition; Hereditary Cancer Syndrome; Hereditary neoplastic syndrome. Identifiers: Orphanet 140162, MedGen C0027672, MeSH D009386, MONDO:0015356.

Submissions (2):

Labcorp Genetics (formerly Invitae), Labcorp
Classification: Uncertain significance for Retinoblastoma. Last evaluated: 2024-12-24. Review status: criteria provided, single submitter. Criteria: Invitae Variant Classification Sherloc (09022015). Collection method: clinical testing. Allele origin: germline.
Comment: This sequence change replaces arginine, which is basic and polar, with lysine, which is basic and polar, at codon 775 of the RB1 protein (p.Arg775Lys). This variant is not present in population databases (gnomAD no frequency). This variant has not been reported in the literature in individuals affected with RB1-related conditions. ClinVar contains an entry for this variant (Variation ID: 821100). An algorithm developed to predict the effect of missense changes on protein structure and function (PolyPhen-2) suggests that this variant is likely to be disruptive. In summary, the available evidence is currently insufficient to determine the role of this variant in disease. Therefore, it has been classified as a Variant of Uncertain Significance.

Ambry Genetics
Classification: Uncertain significance for Hereditary cancer-predisposing syndrome. Last evaluated: 2019-01-25. Review status: criteria provided, single submitter. Criteria: Ambry Variant Classification Scheme 2023. Collection method: clinical testing. Allele origin: germline.
Comment: The p.R775K variant (also known as c.2324G>A), located in coding exon 22 of the RB1 gene, results from a G to A substitution at nucleotide position 2324. The arginine at codon 775 is replaced by lysine, an amino acid with highly similar properties. This amino acid position is highly conserved in available vertebrate species. In addition, the in silico prediction for this alteration is inconclusive. Since supporting evidence is limited at this time, the clinical significance of this alteration remains unclear.

NM_000321.3(RB1):c.2324G>A (p.Arg775Lys)

Gene: RB1 (RB transcriptional corepressor 1; plus strand). Cytogenetic location: 13q14.2.
Variant type: single nucleotide variant.
Coding change: c.2324G>A on transcript NM_000321.3 (MANE Select); coding-DNA position 2324, G replaced by A.
Protein change: p.Arg775Lys; replaces arginine 775 with lysine.
Molecular consequence: missense variant.
Genome position (GRCh38, 1-based): chr13:48,465,110, G>A. VCF-style: chr13-48465110-G-A. GRCh37 (hg19) VCF-style: chr13-49039246-G-A.
Other names: short protein forms R775K.
Identifiers: ClinVar variation 821100 (VCV000821100.7), dbSNP rs1593539271, ClinGen allele CA388167732.